The following is an entry in ClinVar:

ClinVar aggregate classification (germline): Likely benign (1 of 4 stars; one submission).

gnomAD v4.1: 1 of 597,828 alleles (0.00017%); highest among the groups gnomAD compares: Non-Finnish European, 0.00025%; no homozygotes.

Submission:

CeGaT Center for Human Genetics Tuebingen
Classification: Likely benign. Last evaluated: 2026-07-01. Review status: criteria provided, single submitter. Criteria: CeGaT Center For Human Genetics Tuebingen Variant Classification Criteria Version 2. Collection method: clinical testing. Allele origin: germline. Affected: yes. Observed: 2 variant alleles.
Comment: DSPP: BP4, BP7

NM_014208.3(DSPP):c.3279C>T (p.Ser1093=)

Genes: DMP1-AS1 (DMP1 and DSPP antisense RNA 1; minus strand), DSPP (dentin sialophosphoprotein; plus strand). Cytogenetic location: 4q22.1.
Variant type: single nucleotide variant.
Coding change: c.3279C>T on transcript NM_014208.3 (MANE Select); coding-DNA position 3279, C replaced by T.
Protein change: p.Ser1093=; no amino-acid change (serine 1093 retained).
Molecular consequence: synonymous variant.
Genome position (GRCh38, 1-based): chr4:87,615,941, C>T. VCF-style: chr4-87615941-C-T. GRCh37 (hg19) VCF-style: chr4-88537093-C-T.
Identifiers: ClinVar variation 4085105 (VCV004085105.8).
Genomic context (GRCh38, chr4:87,615,941, plus strand): 5'-TGACAGCAGCGACAGCAGTGATAGCAGTGAAAGCAGTGATAGCAGTGACAGCAGCAATAG[C>T]AGTGACAGCAGCGATAGCAGCGACAGCAGCGACAGCAGCGATAGCAGTGACAGCAGCGAT-3'
Protein context (NP_055023.2, residues 1083-1103): ESSDSSDSSN[Ser1093=]SDSSDSSDSS